The following is an entry in ClinVar:

ClinVar aggregate classification (germline): Uncertain significance (1 of 4 stars; one submission).

gnomAD v4.1: 29 of 1,612,430 alleles (0.0018%); highest among the groups gnomAD compares: Non-Finnish European, 0.0025%; no homozygotes.

Submission:

Labcorp Genetics (formerly Invitae), Labcorp
Classification: Uncertain significance. Last evaluated: 2022-08-10. Review status: criteria provided, single submitter. Criteria: Invitae Variant Classification Sherloc (09022015). Collection method: clinical testing. Allele origin: germline.
Comment: ClinVar contains an entry for this variant (Variation ID: 1400283). In summary, the available evidence is currently insufficient to determine the role of this variant in disease. Therefore, it has been classified as a Variant of Uncertain Significance. Algorithms developed to predict the effect of missense changes on protein structure and function (SIFT, PolyPhen-2, Align-GVGD) all suggest that this variant is likely to be tolerated. This variant has not been reported in the literature in individuals affected with TBCK-related conditions. This variant is present in population databases (no rsID available, gnomAD 0.0009%). This sequence change replaces alanine, which is neutral and non-polar, with threonine, which is neutral and polar, at codon 526 of the TBCK protein (p.Ala526Thr).

NM_001163435.3(TBCK):c.1576G>A (p.Ala526Thr)

Gene: TBCK (TBC1 domain containing kinase; minus strand). Cytogenetic location: 4q24.
Variant type: single nucleotide variant.
Coding change: c.1576G>A on transcript NM_001163435.3 (MANE Select); coding-DNA position 1576, G replaced by A.
Protein change: p.Ala526Thr; replaces alanine 526 with threonine.
Molecular consequence: missense variant.
Genome position (GRCh38, 1-based): chr4:106,233,001, C>T on the plus strand (G>A on the coding strand, the complement: TBCK is on the minus strand). VCF-style: chr4-106233001-C-T. GRCh37 (hg19) VCF-style: chr4-107154158-C-T.
Other names: c.1576G>A, p.Ala526Thr (NM_001163436.4); c.1459G>A, p.Ala487Thr (NM_001163437.3); c.1060G>A, p.Ala354Thr (NM_001290768.2); c.1387G>A, p.Ala463Thr (NM_033115.5); short protein forms A526T, A354T, A463T, A487T.
Identifiers: ClinVar variation 1400283 (VCV001400283.8), dbSNP rs1460540131, ClinGen allele CA357822510.
Genomic context (GRCh38, chr4:106,233,001, plus strand): 5'-GCCAATACACAAGATCAGGATGAGACACTACCCAGGCTTTTAATACACGCCTAAATTTTG[C>T]ATGACCTTCTGGTGATGATAACAGTTCATCGTACTGATGACAGCGAGGAATATCCACTTC-3'
Protein context (NP_001156907.2, residues 516-536): DELLSSPEGH[Ala526Thr]KFRRVLKAWV